The following is an entry in ClinVar:

ClinVar aggregate classification (germline): Uncertain significance (1 of 4 stars; one submission).

Submission:

Labcorp Genetics (formerly Invitae), Labcorp
Classification: Uncertain significance. Last evaluated: 2024-11-14. Review status: criteria provided, single submitter. Criteria: Invitae Variant Classification Sherloc (09022015). Collection method: clinical testing. Allele origin: germline.
Comment: This sequence change replaces glutamic acid, which is acidic and polar, with lysine, which is basic and polar, at codon 416 of the GABRA2 protein (p.Glu416Lys). This variant is not present in population databases (gnomAD no frequency). This variant has not been reported in the literature in individuals affected with GABRA2-related conditions. Experimental studies and prediction algorithms are not available or were not evaluated, and the functional significance of this variant is currently unknown. In summary, the available evidence is currently insufficient to determine the role of this variant in disease. Therefore, it has been classified as a Variant of Uncertain Significance.

NM_000807.4(GABRA2):c.1066G>A (p.Glu356Lys)

Gene: GABRA2 (gamma-aminobutyric acid type A receptor subunit alpha2; minus strand). Cytogenetic location: 4p12.
Variant type: single nucleotide variant.
Coding change: c.1066G>A on transcript NM_000807.4 (MANE Select); coding-DNA position 1066, G replaced by A.
Protein change: p.Glu356Lys; replaces glutamic acid 356 with lysine.
Molecular consequence: missense variant.
Genome position (GRCh38, 1-based): chr4:46,250,598, C>T on the plus strand (G>A on the coding strand, the complement: GABRA2 is on the minus strand). VCF-style: chr4-46250598-C-T. GRCh37 (hg19) VCF-style: chr4-46252615-C-T.
Other names: c.901G>A, p.Glu301Lys (NM_001377152.1, NM_001377153.1, NM_001377154.1); c.1066G>A, p.Glu356Lys (NM_001114175.3, NM_001377146.1, NM_001377147.1 and 4 more transcripts); c.1081G>A, p.Glu361Lys (NM_001286827.3); c.1246G>A, p.Glu416Lys (NM_001330690.2, NM_001377144.1, NM_001377145.1); short protein forms E356K, E301K, E361K, E416K.
Identifiers: ClinVar variation 3663938 (VCV003663938.2).
Genomic context (GRCh38, chr4:46,250,598, plus strand): 5'-GGGCATAATTGGCAACAGCCACTGCATAAGCGTTGTTCTGTATCATAACGGAAGCCTTTT[C>T]TTTTTTCTATTGAAAAATACAAAAATTAACAGAGTGTGGGTTGAGTCTGCTACTTAACAT-3'
Protein context (NP_000798.2, residues 346-366): GKSVVNDKKK[Glu356Lys]KASVMIQNNA